The following is an entry in ClinVar:

ClinVar aggregate classification (germline): Pathogenic (1 of 4 stars; one submission).

Conditions:
Polycystic kidney disease, adult type (PKD1). Also called: Polycystic Kidney Disease 1, Autosomal Dominant; Polycystic kidney disease 1; Polycystic kidney disease 1, severe; POLYCYSTIC KIDNEY DISEASE, ADULT, TYPE I; Polycystic Kidney, Autosomal Dominant; POLYCYSTIC KIDNEY DISEASE 1 WITH OR WITHOUT POLYCYSTIC LIVER DISEASE. Identifiers: MedGen C3149841, MONDO:0008263, OMIM 173900.

Submission:

Laboratory of Medical Genetics, National & Kapodistrian University of Athens
Classification: Pathogenic for Polycystic kidney disease, adult type. Last evaluated: 2024-05-09. Review status: criteria provided, single submitter. Criteria: ACMG Guidelines, 2015. Collection method: clinical testing. Allele origin: germline. Affected: yes.
Comment: PVS1, PM2 - Variant absent from gnomAD. In silico prediction tools estimated that the variant could be damaging for the protein function/stracture. Higly relevant to the patient's phenotype.

NM_001009944.3(PKD1):c.9847dup (p.Cys3283fs)

Gene: PKD1 (polycystin 1, transient receptor potential channel interacting; minus strand). Cytogenetic location: 16p13.3.
Variant type: Duplication.
Coding change: c.9847dup on transcript NM_001009944.3 (MANE Select); coding-DNA position 9847, one base duplicated (T; older notation c.9847dupT).
Protein change: p.Cys3283fs; shifts the reading frame from cysteine 3283.
Molecular consequence: frameshift variant.
Genome position (GRCh38, 1-based): chr16:2,099,937, A duplicated on the plus strand (T on the coding strand, the reverse complement: PKD1 is on the minus strand). VCF-style (leftmost placement, unchanged base first): chr16-2099936-C-CA. GRCh37 (hg19) VCF-style: chr16-2149937-C-CA.
Other names: c.9847dup, p.Cys3283fs (NM_000296.4); short protein forms C3283fs.
Identifiers: ClinVar variation 3256540 (VCV003256540.1).